The following is an entry in ClinVar:

NM_001042646.3(TRAK1):c.1295C>T (p.Ser432Leu)

Gene: TRAK1 (trafficking kinesin protein 1; plus strand). Cytogenetic location: 3p22.1.
Variant type: single nucleotide variant.
Coding change: c.1295C>T on transcript NM_001042646.3 (MANE Select); coding-DNA position 1295, C replaced by T.
Protein change: p.Ser432Leu; replaces serine 432 with leucine.
Molecular consequence: missense variant. On other transcripts: non-coding transcript variant (1).
Genome position (GRCh38, 1-based): chr3:42,200,922, C>T. VCF-style: chr3-42200922-C-T. GRCh37 (hg19) VCF-style: chr3-42242414-C-T.
Other names: c.1295C>T (NM_001042646.1); c.1295C>T, p.Ser432Leu (NM_001265608.2, NM_001349246.2, NM_001349247.2); c.1073C>T, p.Ser358Leu (NM_001265609.2, NM_001265610.1, NM_001349248.1 and 1 more transcripts); c.983C>T, p.Ser328Leu (NM_001349245.1); c.1121C>T, p.Ser374Leu (NM_001410741.1, NM_014965.5); short protein forms S328L, S358L, S374L, S432L.
Identifiers: ClinVar variation 3389919 (VCV003389919.14).

ClinVar aggregate classification (germline): Uncertain significance. Review status: criteria provided, multiple submitters, no conflicts (2 of 4 stars). 2 submissions from 2 submitters: Uncertain significance (2). Last evaluated 2025-11-26.

Conditions:
Inborn genetic diseases. Identifiers: MedGen C0950123, MeSH D030342.

gnomAD v4.1: 37 of 1,614,054 alleles (0.0023%); highest among the groups gnomAD compares: African/African-American, 0.028%; no homozygotes.

Submissions (2):

Ambry Genetics
Classification: Uncertain significance for Inborn genetic diseases. Last evaluated: 2025-11-26. Review status: criteria provided, single submitter. Criteria: Ambry Variant Classification Scheme 2023. Collection method: clinical testing. Allele origin: germline.

CeGaT Center for Human Genetics Tuebingen
Classification: Uncertain significance. Last evaluated: 2024-10-01. Review status: criteria provided, single submitter. Criteria: CeGaT Center For Human Genetics Tuebingen Variant Classification Criteria Version 2. Collection method: clinical testing. Allele origin: germline. Affected: yes. Observed: 1 variant allele.
Comment: TRAK1: PM2